The following is an entry in ClinVar:

ClinVar aggregate classification (germline): Uncertain significance (1 of 4 stars; one submission).

Submission:

Ambry Genetics
Classification: Uncertain significance. Last evaluated: 2024-06-12. Review status: criteria provided, single submitter. Criteria: Ambry Variant Classification Scheme 2023. Collection method: clinical testing. Allele origin: germline.
Comment: The p.I226T variant (also known as c.677T>C), located in coding exon 1 of the MLH3 gene, results from a T to C substitution at nucleotide position 677. The isoleucine at codon 226 is replaced by threonine, an amino acid with similar properties. This amino acid position is conserved. In addition, this alteration is predicted to be deleterious by in silico analysis. Based on the available evidence, the clinical significance of this variant remains unclear.

NM_001040108.2(MLH3):c.677T>C (p.Ile226Thr)

Gene: MLH3 (mutL homolog 3; minus strand). Cytogenetic location: 14q24.3.
Variant type: single nucleotide variant.
Coding change: c.677T>C on transcript NM_001040108.2 (MANE Select); coding-DNA position 677, T replaced by C.
Protein change: p.Ile226Thr; replaces isoleucine 226 with threonine.
Molecular consequence: missense variant.
Genome position (GRCh38, 1-based): chr14:75,048,979, A>G on the plus strand (T>C on the coding strand, the complement: MLH3 is on the minus strand). VCF-style: chr14-75048979-A-G. GRCh37 (hg19) VCF-style: chr14-75515682-A-G.
Other names: c.677T>C, p.Ile226Thr (NM_014381.3); short protein forms I226T.
Identifiers: ClinVar variation 3295162 (VCV003295162.1).
Genomic context (GRCh38, chr14:75,048,979, plus strand): 5'-TTGTAATGTGCTTCAGAGCTGATATAGCCACTAAGCTCAAACTCTTTATATTTAAAACTT[A>G]TTTCTCTTAGCTTTTGGGACTTTCCCAATCCATAAATTTGACAAAATCGGGAACATACGT-3'
Protein context (NP_001035197.1, residues 216-236): GLGKSQKLRE[Ile226Thr]SFKYKEFELS